The following is an entry in ClinVar:

ClinVar aggregate classification (germline): Pathogenic (1 of 4 stars; one submission).

Submission:

Labcorp Genetics (formerly Invitae), Labcorp
Classification: Pathogenic. Last evaluated: 2023-05-10. Review status: criteria provided, single submitter. Criteria: Invitae Variant Classification Sherloc (09022015). Collection method: clinical testing. Allele origin: germline.
Comment: This variant is not present in population databases (gnomAD no frequency). This sequence change creates a premature translational stop signal (p.Pro282Argfs*5) in the FMO3 gene. It is expected to result in an absent or disrupted protein product. Loss-of-function variants in FMO3 are known to be pathogenic (PMID: 20301282). For these reasons, this variant has been classified as Pathogenic. This variant has not been reported in the literature in individuals affected with FMO3-related conditions.

Literature cited by the submitters: PubMed 20301282.

NM_001002294.3(FMO3):c.839_842dup (p.Pro282fs)

Gene: FMO3 (flavin containing dimethylaniline monoxygenase 3; plus strand). Cytogenetic location: 1q24.3.
Variant type: Duplication.
Coding change: c.839_842dup on transcript NM_001002294.3 (MANE Select); coding-DNA positions 839 to 842, 4 bases duplicated (AAGA; older notation c.839_842dupAAGA).
Protein change: p.Pro282fs; shifts the reading frame from proline 282.
Molecular consequence: frameshift variant.
Genome position (GRCh38, 1-based): chr1:171,114,018-171,114,021, AAGA duplicated; duplicating any 4 consecutive bases within chr1:171,114,016-171,114,021 gives the same sequence; the c. name uses the placement nearest the transcript's 3' end. VCF-style (leftmost placement, unchanged base first): chr1-171114015-G-GGAAA. GRCh37 (hg19) VCF-style: chr1-171083155-G-GGAAA.
Other names: c.779_782dup, p.Pro262fs (NM_001319173.2); c.650_653dup, p.Pro219fs (NM_001319174.2); c.839_842dup, p.Pro282fs (NM_006894.6); short protein forms P282fs, P219fs, P262fs.
Identifiers: ClinVar variation 2863131 (VCV002863131.3), dbSNP rs2526352822, ClinGen allele CA2574164530.